The following is an entry in ClinVar:

NM_000136.3(FANCC):c.458T>A (p.Met153Lys)

Gene: FANCC (FA complementation group C; minus strand). Cytogenetic location: 9q22.32.
Variant type: single nucleotide variant.
Coding change: c.458T>A on transcript NM_000136.3 (MANE Select); coding-DNA position 458, T replaced by A.
Protein change: p.Met153Lys; replaces methionine 153 with lysine.
Molecular consequence: missense variant.
Genome position (GRCh38, 1-based): chr9:95,171,142, A>T on the plus strand (T>A on the coding strand, the complement: FANCC is on the minus strand). VCF-style: chr9-95171142-A-T. GRCh37 (hg19) VCF-style: chr9-97933424-A-T.
Other names: c.458T>A, p.Met153Lys (NM_001243743.2, NM_001243744.2); short protein forms M153K.
Identifiers: ClinVar variation 3230383 (VCV003230383.1), dbSNP rs2135579915, ClinGen allele CA374338676.

ClinVar aggregate classification (germline): Uncertain significance (1 of 4 stars; one submission).

Conditions:
Hereditary cancer-predisposing syndrome. Also called: Neoplastic Syndromes, Hereditary; Tumor predisposition; Hereditary neoplastic syndrome; Hereditary Cancer Syndrome. Identifiers: Orphanet 140162, MedGen C0027672, MeSH D009386, MONDO:0015356.

Submission:

Ambry Genetics
Classification: Uncertain significance for Hereditary cancer-predisposing syndrome. Last evaluated: 2024-02-10. Review status: criteria provided, single submitter. Criteria: Ambry Variant Classification Scheme 2023. Collection method: clinical testing. Allele origin: germline.
Comment: The p.M153K variant (also known as c.458T>A), located in coding exon 5 of the FANCC gene, results from a T to A substitution at nucleotide position 458. The methionine at codon 153 is replaced by lysine, an amino acid with similar properties. This amino acid position is conserved. In addition, the in silico prediction for this alteration is inconclusive. Based on the available evidence, the clinical significance of this alteration remains unclear.